The following is an entry in ClinVar:

NM_001367624.2(ZNF469):c.6905G>C (p.Gly2302Ala)

Gene: ZNF469 (zinc finger protein 469; plus strand). Cytogenetic location: 16q24.2.
Variant type: single nucleotide variant.
Coding change: c.6905G>C on transcript NM_001367624.2 (MANE Select); coding-DNA position 6905, G replaced by C.
Protein change: p.Gly2302Ala; replaces glycine 2302 with alanine.
Molecular consequence: missense variant.
Genome position (GRCh38, 1-based): chr16:88,434,375, G>C. VCF-style: chr16-88434375-G-C. GRCh37 (hg19) VCF-style: chr16-88500783-G-C.
Other names: short protein forms G2302A.
Identifiers: ClinVar variation 2132635 (VCV002132635.4), dbSNP rs1419178485, ClinGen allele CA397107636.

ClinVar aggregate classification (germline): Uncertain significance (1 of 4 stars; one submission).

Submission:

Labcorp Genetics (formerly Invitae), Labcorp
Classification: Uncertain significance. Last evaluated: 2025-07-15. Review status: criteria provided, single submitter. Criteria: Invitae Variant Classification Sherloc (09022015). Collection method: clinical testing. Allele origin: germline.
Comment: This sequence change replaces glycine, which is neutral and non-polar, with alanine, which is neutral and non-polar, at codon 2274 of the ZNF469 protein (p.Gly2274Ala). This variant is not present in population databases (gnomAD no frequency). This variant has not been reported in the literature in individuals affected with ZNF469-related conditions. ClinVar contains an entry for this variant (Variation ID: 2132635). An algorithm developed to predict the effect of missense changes on protein structure and function outputs the following: PolyPhen-2: "Benign". The alanine amino acid residue is found in multiple mammalian species, which suggests that this missense change does not adversely affect protein function. In summary, the available evidence is currently insufficient to determine the role of this variant in disease. Therefore, it has been classified as a Variant of Uncertain Significance.